The following is an entry in ClinVar:

ClinVar aggregate classification (germline): Benign/Likely benign. Review status: criteria provided, multiple submitters, no conflicts (2 of 4 stars). 11 submissions from 10 submitters: Benign (1); Likely benign (7). 3 of the submissions do not count toward it. Last evaluated 2026-01-26.

Conditions:
RET-related disorder. Also called: RET-related condition; RET-related disease; RET-related disorders.
Hereditary cancer-predisposing syndrome. Also called: Neoplastic Syndromes, Hereditary; Tumor predisposition; Hereditary Cancer Syndrome; Hereditary neoplastic syndrome. Identifiers: Orphanet 140162, MedGen C0027672, MeSH D009386, MONDO:0015356.
Multiple endocrine neoplasia type 2A. Also called: Multiple Endocrine Neoplasia Type 2A (MEN2A); MULTIPLE ENDOCRINE NEOPLASIA, TYPE IIA; PTC SYNDROME; SIPPLE SYNDROME; MEN 2A; MEN-2A syndrome. Identifiers: Orphanet 247698, Orphanet 653, MedGen C0025268, MeSH D018813, MONDO:0008234, OMIM 171400.
Multiple endocrine neoplasia type 2B. Also called: Multiple endocrine neoplasia, type 3; MULTIPLE ENDOCRINE NEOPLASIA, TYPE IIB; MEN IIB; NEUROMATA, MUCOSAL, WITH ENDOCRINE TUMORS; Multiple Endocrine Neoplasia Type 2B (MEN2B); WAGENMANN-FROBOESE SYNDROME. Identifiers: Orphanet 247709, Orphanet 653, MedGen C0025269, MeSH D018814, MONDO:0008082, OMIM 162300.
Multiple endocrine neoplasia, type 2 (MEN2). Identifiers: Orphanet 653, MedGen C4048306, MONDO:0019003. Disease mechanism: gain of function.

Allele frequency attached by ClinVar (database versions not stated): gnomAD exomes 0.00005 and 0.00012; ESP Exome Variant Server 0.00031; gnomAD 0.00056; TOPMed 0.00061.
gnomAD v4.1: 145 of 1,613,214 alleles (0.009%); highest among the groups gnomAD compares: African/African-American, 0.17%; 1 homozygote.

Submissions (11):

Labcorp Genetics (formerly Invitae), Labcorp
Classification: Likely benign for Multiple endocrine neoplasia, type 2. Last evaluated: 2026-01-26. Review status: criteria provided, single submitter. Criteria: Invitae Variant Classification Sherloc (09022015). Collection method: clinical testing. Allele origin: germline.

All of Us Research Program, National Institutes of Health
Classification: Likely benign for Multiple endocrine neoplasia, type 2. Last evaluated: 2024-09-26. Review status: criteria provided, single submitter. Criteria: ACMG Guidelines, 2015. Collection method: clinical testing. Allele origin: germline. Inheritance: Autosomal dominant inheritance. Observed: 43 variant alleles, 42 heterozygotes, 1 homozygote.
Comment: This study involves interpretation of variants in research participants for the purpose of population health screening. Participant phenotype was not available at the time of variant classification. Additional details can be found in publication PMID: 35346344, PMCID: PMC8962531

Color Diagnostics, LLC DBA Color Health
Classification: Likely benign for Multiple endocrine neoplasia, type 2. Last evaluated: 2022-11-06. Review status: criteria provided, single submitter. Criteria: ACMG Guidelines, 2015. Collection method: clinical testing. Allele origin: germline.

Sema4
Classification: Likely benign for Hereditary cancer-predisposing syndrome. Last evaluated: 2021-07-13. Review status: criteria provided, single submitter. Criteria: Sema4 Curation Guidelines. Collection method: curation. Allele origin: germline.

GeneDx
Classification: Likely benign. Last evaluated: 2021-04-15. Review status: criteria provided, single submitter. Criteria: GeneDx Variant Classification Process June 2021. Collection method: clinical testing. Allele origin: germline. Affected: yes.

Ambry Genetics
Classification: Likely benign for Hereditary cancer-predisposing syndrome. Last evaluated: 2018-10-31. Review status: criteria provided, single submitter. Criteria: Ambry Variant Classification Scheme 2023. Collection method: clinical testing. Allele origin: germline.

Mendelics
Classification: Likely benign for Multiple endocrine neoplasia, type 2a. Last evaluated: 2018-07-02. Review status: criteria provided, single submitter. Criteria: Mendelics Assertion Criteria 2017. Collection method: clinical testing. Allele origin: unknown.

Women's Health and Genetics/Laboratory Corporation of America, LabCorp
Classification: Benign. Last evaluated: 2018-02-16. Review status: criteria provided, single submitter. Criteria: LabCorp Variant Classification Summary - May 2015. Collection method: clinical testing. Allele origin: germline.
Comment: Variant summary: RET c.262A>G (p.Ile88Val) results in a conservative amino acid change located in the outside of any known functional domain or repeat of the encoded protein sequence. Four of five in-silico tools predict a benign effect of the variant on protein function. The observed variant frequency within African control individuals in the gnomAD database is approximately 51.3 fold of the estimated maximal expected allele frequency for a pathogenic variant in RET causing Multiple Endocrine Neoplasia Type 2 phenotype (3.7e-05), strongly suggesting that the variant is a benign polymorphism found primarily in populations of African origin. To our knowledge, no occurrence of c.262A>G in individuals affected with Multiple Endocrine Neoplasia Type 2 and no experimental evidence demonstrating its impact on protein function have been reported. Three clinical diagnostic laboratories have submitted clinical-significance assessments for this variant to ClinVar after 2014 without evidence for independent evaluation. Based on the evidence outlined above, the variant was classified as benign.

PreventionGenetics, part of Exact Sciences
Classification: Likely benign for RET-related condition. Last evaluated: 2019-11-18. Review status: no assertion criteria provided. Collection method: clinical testing. Allele origin: germline. Not counted in ClinVar's aggregate classification.
Comment: This variant is classified as likely benign based on ACMG/AMP sequence variant interpretation guidelines (Richards et al. 2015 PMID: 25741868, with internal and published modifications).

Counsyl
Classification: Uncertain significance for Multiple endocrine neoplasia type 2B. Last evaluated: 2016-03-02. Review status: no assertion criteria provided. Collection method: clinical testing. Allele origin: unknown. Not counted in ClinVar's aggregate classification.

Counsyl
Classification: Uncertain significance for Multiple endocrine neoplasia type 2A. Last evaluated: 2016-03-02. Review status: no assertion criteria provided. Collection method: clinical testing. Allele origin: unknown. Not counted in ClinVar's aggregate classification.

NM_020975.6(RET):c.262A>G (p.Ile88Val)

Gene: RET (ret proto-oncogene; plus strand). Cytogenetic location: 10q11.21.
Variant type: single nucleotide variant.
Coding change: c.262A>G on transcript NM_020975.6 (MANE Select); coding-DNA position 262, A replaced by G.
Protein change: p.Ile88Val; replaces isoleucine 88 with valine.
Molecular consequence: missense variant.
Genome position (GRCh38, 1-based): chr10:43,100,647, A>G. VCF-style: chr10-43100647-A-G. GRCh37 (hg19) VCF-style: chr10-43596095-A-G.
Other names: c.262A>G, p.Ile88Val (NM_000323.2, NM_001406743.1, NM_001406744.1 and 34 more transcripts); short protein forms I88V.
Identifiers: ClinVar variation 188305 (VCV000188305.29), dbSNP rs141679950, ClinGen allele CA008946.